The following is an entry in ClinVar:

ClinVar aggregate classification (germline): Conflicting classifications of pathogenicity. Review status: criteria provided, conflicting classifications (1 of 4 stars). 6 submissions from 6 submitters: Uncertain significance (1); Likely benign (3). 2 of the submissions do not count toward it. Last evaluated 2025-09-26.

Conditions:
Retinitis pigmentosa (RP). Identifiers: Orphanet 791, MedGen C0035334, MeSH D012174, MONDO:0019200, OMIM 268000. Inheritance: Autosomal dominant, autosomal recessive and X linked inheritance.
RBP3-related disorder. Also called: RBP3-related condition.

Allele frequency attached by ClinVar (database versions not stated): ExAC 0.00004; gnomAD exomes 0.00007; TOPMed 0.00009; gnomAD 0.00013.

Submissions (6):

PreventionGenetics, part of Exact Sciences
Classification: Likely benign for RBP3-related condition. Last evaluated: 2025-09-26. Review status: criteria provided, single submitter. Criteria: ACMG Guidelines, 2015. Collection method: clinical testing. Allele origin: germline.
Comment: This variant is classified as likely benign based on ACMG/AMP sequence variant interpretation guidelines (Richards et al. 2015 PMID: 25741868, with internal and published modifications).

Labcorp Genetics (formerly Invitae), Labcorp
Classification: Likely benign. Last evaluated: 2025-09-02. Review status: criteria provided, single submitter. Criteria: Invitae Variant Classification Sherloc (09022015). Collection method: clinical testing. Allele origin: germline.

Blueprint Genetics
Classification: Likely benign. Last evaluated: 2024-10-09. Review status: criteria provided, single submitter. Criteria: ACMG Guidelines, 2015. Collection method: clinical testing. Allele origin: germline.

Illumina Laboratory Services, Illumina
Classification: Uncertain significance for Retinitis pigmentosa. Last evaluated: 2018-01-12. Review status: criteria provided, single submitter. Criteria: ICSL Variant Classification Criteria 13 December 2019. Collection method: clinical testing. Allele origin: germline.

Clinical Genetics DNA and cytogenetics Diagnostics Lab, Erasmus MC, Erasmus Medical Center
Classification: Likely benign. Review status: no assertion criteria provided. Collection method: clinical testing. Allele origin: germline. Affected: yes. Study: VKGL Data-share Consensus. Not counted in ClinVar's aggregate classification.

Clinical Genetics, Academic Medical Center
Classification: Benign. Review status: no assertion criteria provided. Collection method: clinical testing. Allele origin: germline. Affected: yes. Study: VKGL Data-share Consensus. Not counted in ClinVar's aggregate classification.

NM_002900.3(RBP3):c.1806C>T (p.His602=)

Gene: RBP3 (retinol binding protein 3; plus strand). Cytogenetic location: 10q11.22.
Variant type: single nucleotide variant.
Coding change: c.1806C>T on transcript NM_002900.3 (MANE Select); coding-DNA position 1806, C replaced by T.
Protein change: p.His602=; no amino-acid change (histidine 602 retained).
Molecular consequence: synonymous variant.
Genome position (GRCh38, 1-based): chr10:47,350,290, C>T. VCF-style: chr10-47350290-C-T. GRCh37 (hg19) VCF-style: chr10-48389072-G-A.
Identifiers: ClinVar variation 299977 (VCV000299977.19), dbSNP rs782049247, ClinGen allele CA5487423.